The following is an entry in ClinVar:

NM_178857.6(RP1L1):c.1468G>A (p.Gly490Arg)

Gene: RP1L1 (RP1 like 1). Cytogenetic location: 8p23.1.
Variant type: single nucleotide variant.
Coding change: c.1468G>A on transcript NM_178857.6 (MANE Select); coding-DNA position 1468, G replaced by A.
Protein change: p.Gly490Arg; replaces glycine 490 with arginine.
Molecular consequence: missense variant.
Genome position (GRCh38, 1-based): chr8:10,612,630, C>T on the plus strand (G>A on the coding strand, the complement: RP1L1 is on the minus strand). VCF-style: chr8-10612630-C-T. GRCh37 (hg19) VCF-style: chr8-10470140-C-T.
Other names: short protein forms G490R.
Identifiers: ClinVar variation 4978478 (VCV004978478.1).
Genomic context (GRCh38, chr8:10,612,630, plus strand): 5'-CTCCATCTATGCATAGGCCGGGGTCCTCACCCAGGCTCCCTCCAGCTTTCCGCTCAGCCC[C>T]TATCTGGGCAGAGGGGCTGGCACTGTCCACCCCGTCCTCCGGGGTCCTGGGGCAGCAGGA-3'
Protein context (NP_849188.4, residues 480-500): VDSASPSAQI[Gly490Arg]AERKAGGSLG

ClinVar aggregate classification (germline): Uncertain significance (1 of 4 stars; one submission).

Conditions:
RP1L1-related disorder. Also called: RP1L1-related condition.

gnomAD v4.1: 27 of 1,602,658 alleles (0.0017%); highest among the groups gnomAD compares: Admixed American, 0.0067%; no homozygotes.

Submission:

PreventionGenetics, part of Exact Sciences
Classification: Uncertain significance for RP1L1-related condition. Last evaluated: 2025-11-07. Review status: criteria provided, single submitter. Criteria: ACMG Guidelines, 2015. Collection method: clinical testing. Allele origin: germline.
Comment: The RP1L1 c.1468G>A variant is predicted to result in the amino acid substitution p.Gly490Arg. To our knowledge, this variant has not been reported in the literature. This variant is reported in 0.0087% of alleles in individuals of Latino descent in gnomAD. At this time, the clinical significance of this variant is uncertain due to the absence of conclusive functional and genetic evidence.